The following is an entry in ClinVar:

ClinVar aggregate classification (germline): Uncertain significance (1 of 4 stars; one submission).

Conditions:
Facioscapulohumeral muscular dystrophy 2 (FSHD2). Also called: MUSCULAR DYSTROPHY, FACIOSCAPULOHUMERAL, TYPE 1B; FACIOSCAPULOHUMERAL MUSCULAR DYSTROPHY 2, DIGENIC; FSHD2, DIGENIC. Identifiers: Orphanet 269, MedGen C1834671, MONDO:0008031, OMIM 158901.

Allele frequency attached by ClinVar (database versions not stated): gnomAD exomes below 0.00001 and 0.00001; ExAC 0.00001; gnomAD 0.00001; TOPMed 0.00001.
gnomAD v4.1: 2 of 1,558,316 alleles (0.00013%); highest among the groups gnomAD compares: East Asian, 0.0047%; no homozygotes.

Submission:

Labcorp Genetics (formerly Invitae), Labcorp
Classification: Uncertain significance for Facioscapulohumeral muscular dystrophy 2. Last evaluated: 2021-12-08. Review status: criteria provided, single submitter. Criteria: Invitae Variant Classification Sherloc (09022015). Collection method: clinical testing. Allele origin: germline.
Comment: This variant is present in population databases (rs771277442, gnomAD 0.01%). This sequence change falls in intron 42 of the SMCHD1 gene. It does not directly change the encoded amino acid sequence of the SMCHD1 protein. It affects a nucleotide within the consensus splice site. This variant has not been reported in the literature in individuals affected with SMCHD1-related conditions. ClinVar contains an entry for this variant (Variation ID: 963589). Variants that disrupt the consensus splice site are a relatively common cause of aberrant splicing (PMID: 17576681, 9536098). Algorithms developed to predict the effect of sequence changes on RNA splicing suggest that this variant is not likely to affect RNA splicing. In summary, the available evidence is currently insufficient to determine the role of this variant in disease. Therefore, it has been classified as a Variant of Uncertain Significance.

Literature cited by the submitters: PubMed 17576681; PubMed 9536098.

NM_015295.3(SMCHD1):c.5366+6A>G

Gene: SMCHD1 (structural maintenance of chromosomes flexible hinge domain containing 1; plus strand). Cytogenetic location: 18p11.32.
Variant type: single nucleotide variant.
Coding change: c.5366+6A>G on transcript NM_015295.3 (MANE Select); 6 bases into the intron after coding-DNA position 5366, A replaced by G.
Molecular consequence: intron variant.
Genome position (GRCh38, 1-based): chr18:2,775,930, A>G. VCF-style: chr18-2775930-A-G. GRCh37 (hg19) VCF-style: chr18-2775928-A-G.
Identifiers: ClinVar variation 963589 (VCV000963589.6), dbSNP rs771277442, ClinGen allele CA8871706.
Genomic context (GRCh38, chr18:2,775,930, plus strand): 5'-AGCAGGTGTTGCCCCTTGATTCTATTTACAAGAAGACTCTTCCAGATTGGAAAAGGTTAG[A>G]AAAAAGTGAAAGTAATTTTTTTTCTGAAATATATTTTCTGTTTTTTATCAAAGCCTTGAA-3'